The following is an entry in ClinVar:

ClinVar aggregate classification (germline): Pathogenic (1 of 4 stars; one submission).

Conditions:
Hereditary hemorrhagic telangiectasia (HHT). Also called: ORW DISEASE; Osler Weber Rendu syndrome; OSLER-RENDU-WEBER DISEASE; Osler hemorrhagic telangiectasia syndrome. Identifiers: Orphanet 774, MedGen C0039445, MONDO:0019180. Disease mechanism: loss of function.

Submission:

Labcorp Genetics (formerly Invitae), Labcorp
Classification: Pathogenic for Hereditary hemorrhagic telangiectasia. Last evaluated: 2023-08-30. Review status: criteria provided, single submitter. Criteria: Invitae Variant Classification Sherloc (09022015). Collection method: clinical testing. Allele origin: germline.
Comment: For these reasons, this variant has been classified as Pathogenic. This variant disrupts the p.Cys394 amino acid residue in ENG. Other variant(s) that disrupt this residue have been determined to be pathogenic (PMID: 20414677, 32300199; Invitae). This suggests that this residue is clinically significant, and that variants that disrupt this residue are likely to be disease-causing. Advanced modeling of protein sequence and biophysical properties (such as structural, functional, and spatial information, amino acid conservation, physicochemical variation, residue mobility, and thermodynamic stability) performed at Invitae indicates that this missense variant is expected to disrupt ENG protein function. This missense change has been observed in individual(s) with hereditary hemorrhagic telangiectasia (Invitae). This variant is not present in population databases (gnomAD no frequency). This sequence change replaces cysteine, which is neutral and slightly polar, with arginine, which is basic and polar, at codon 394 of the ENG protein (p.Cys394Arg).

Literature cited by the submitters: PubMed 20414677; PubMed 32300199.

NM_001114753.3(ENG):c.1180T>C (p.Cys394Arg)

Genes: ENG (endoglin; minus strand), LOC102723566 (uncharacterized LOC102723566; plus strand). Cytogenetic location: 9q34.11.
Variant type: single nucleotide variant.
Coding change: c.1180T>C on transcript NM_001114753.3 (MANE Select); coding-DNA position 1180, T replaced by C.
Protein change: p.Cys394Arg; replaces cysteine 394 with arginine.
Molecular consequence: missense variant.
Genome position (GRCh38, 1-based): chr9:127,819,992, A>G on the plus strand (T>C on the coding strand, the complement: ENG is on the minus strand). VCF-style: chr9-127819992-A-G. GRCh37 (hg19) VCF-style: chr9-130582271-A-G.
Other names: c.1180T>C, p.Cys394Arg (NM_000118.4); c.634T>C, p.Cys212Arg (NM_001278138.2); short protein forms C212R, C394R.
Identifiers: ClinVar variation 2756475 (VCV002756475.3), dbSNP rs2539064327, ClinGen allele CA374978643.
Genomic context (GRCh38, chr9:127,819,992, plus strand): 5'-TGCCACAGCTGGAGTAAGCACTGCGCAAGACAAACTTGTCACCCCTGTCCTCTGCCTCAC[A>G]GCTGGGGTCCCAGAAGGTCAGGCCCGTGATGGTGCACTTCAAATGCTGGGTCGGAAGAGA-3'
Protein context (NP_001108225.1, residues 384-404): ITGLTFWDPS[Cys394Arg]EAEDRGDKFV